The following is an entry in ClinVar:

NM_003640.5(ELP1):c.254_255dup (p.Ala86fs)

Gene: ELP1 (elongator acetyltransferase complex subunit 1; minus strand). Cytogenetic location: 9q31.3.
Variant type: Microsatellite.
Coding change: c.254_255dup on transcript NM_003640.5 (MANE Select); coding-DNA positions 254 to 255, 2 bases duplicated (TG; older notation c.254_255dupTG).
Protein change: p.Ala86fs; shifts the reading frame from alanine 86.
Molecular consequence: frameshift variant. On other transcripts: 5 prime UTR variant (2).
Genome position (GRCh38, 1-based): chr9:108,929,817-108,929,818, CA duplicated on the plus strand (TG on the coding strand, the reverse complement: ELP1 is on the minus strand); duplicating any 2 consecutive bases within chr9:108,929,817-108,929,826 gives the same sequence; the c. name uses the placement nearest the transcript's 3' end. VCF-style (leftmost placement, unchanged base first): chr9-108929816-C-CCA. GRCh37 (hg19) VCF-style: chr9-111692096-C-CCA.
Other names: c.-97TG[6] (NM_001318360.2); c.-614TG[6] (NM_001330749.2); c.254_255dupTG (NM_003640.4); short protein forms A86fs.
Identifiers: ClinVar variation 1073791 (VCV001073791.8), dbSNP rs1306800890, ClinGen allele CA589615783.

ClinVar aggregate classification (germline): Pathogenic/Likely pathogenic. Review status: criteria provided, multiple submitters, no conflicts (2 of 4 stars). 2 submissions from 2 submitters: Pathogenic (1); Likely pathogenic (1). Last evaluated 2025-01-27.

Conditions:
ELP1-related disorder. Also called: ELP1-related condition.

Submissions (2):

PreventionGenetics, part of Exact Sciences
Classification: Likely pathogenic for ELP1-related condition. Last evaluated: 2025-01-27. Review status: criteria provided, single submitter. Criteria: ACMG Guidelines, 2015. Collection method: clinical testing. Allele origin: germline.
Comment: The ELP1 c.254_255dupTG variant is predicted to result in a frameshift and premature protein termination (p.Ala86Trpfs*24). To our knowledge, this variant has not been reported in the literature. This variant is reported in 0.0018% of alleles in individuals of European (Non-Finnish) descent in gnomAD. Frameshift variants in ELP1 are expected to be pathogenic. This variant is interpreted as likely pathogenic.

Labcorp Genetics (formerly Invitae), Labcorp
Classification: Pathogenic. Last evaluated: 2024-01-12. Review status: criteria provided, single submitter. Criteria: Invitae Variant Classification Sherloc (09022015). Collection method: clinical testing. Allele origin: germline.
Comment: This sequence change creates a premature translational stop signal (p.Ala86Trpfs*24) in the ELP1 gene. It is expected to result in an absent or disrupted protein product. Loss-of-function variants in ELP1 are known to be pathogenic (PMID: 18303054, 24173031). This variant is present in population databases (no rsID available, gnomAD 0.0009%). This variant has not been reported in the literature in individuals affected with ELP1-related conditions. For these reasons, this variant has been classified as Pathogenic.

Literature cited by the submitters: PubMed 18303054 (cited by Labcorp Genetics (formerly Invitae), Labcorp); PubMed 24173031 (cited by Labcorp Genetics (formerly Invitae), Labcorp).